The following is an entry in ClinVar:

ClinVar aggregate classification (germline): Uncertain significance (1 of 4 stars; one submission).

Submission:

GeneDx
Classification: Uncertain significance. Last evaluated: 2024-07-08. Review status: criteria provided, single submitter. Criteria: GeneDx Variant Classification Process June 2021. Collection method: clinical testing. Allele origin: germline. Affected: yes.
Comment: Frameshift variant predicted to result in abnormal protein length as the last 22 amino acids are replaced with 14 different amino acids; Not observed at significant frequency in large population cohorts (gnomAD); Has not been previously published as pathogenic or benign to our knowledge

NM_001012614.2(CTBP1):c.1222dup (p.His408fs)

Genes: CTBP1 (C-terminal binding protein 1; minus strand), CTBP1-AS (CTBP1 antisense RNA; plus strand). Cytogenetic location: 4p16.3.
Variant type: Duplication.
Coding change: c.1222dup on transcript NM_001012614.2 (MANE Select); coding-DNA position 1222, one base duplicated (C; older notation c.1222dupC).
Protein change: p.His408fs; shifts the reading frame from histidine 408.
Molecular consequence: frameshift variant. On other transcripts: non-coding transcript variant (1).
Genome position (GRCh38, 1-based): chr4:1,212,308, G duplicated on the plus strand (C on the coding strand, the reverse complement: CTBP1 is on the minus strand); the first of 4 consecutive G bases (chr4:1,212,308-1,212,311); duplicating any one gives the same sequence. VCF-style (leftmost placement, unchanged base first): chr4-1212307-T-TG. GRCh37 (hg19) VCF-style: chr4-1206095-T-TG.
Other names: c.1255dup, p.His419fs (NM_001328.3); c.1258dup, p.His420fs (NM_001377186.1); c.1225dup, p.His409fs (NM_001377187.1, NM_001377188.1, NM_001377189.1 and 1 more transcripts); c.1222dup, p.His408fs (NM_001377191.1, NM_001377192.1, NM_001377193.1); short protein forms H409fs, H408fs, H419fs, H420fs.
Identifiers: ClinVar variation 3572724 (VCV003572724.1).
Genomic context (GRCh38, chr4:1,212,307, plus strand): 5'-TGGTCACTGGCGTGGTCTCTATCCGCCTCGGGCTTGACGGTTTGGCCAGGAGAAGGGGCG[T>TG]GGGGCGGGTGGGCCACAGGGGGCAGGCCGTGGGACAGGGACATGGCGCTGGGGACGATAC-3'